The following is an entry in ClinVar:

ClinVar aggregate classification (germline): Uncertain significance (1 of 4 stars; one submission).

Submission:

Labcorp Genetics (formerly Invitae), Labcorp
Classification: Uncertain significance. Last evaluated: 2024-02-26. Review status: criteria provided, single submitter. Criteria: Invitae Variant Classification Sherloc (09022015). Collection method: clinical testing. Allele origin: germline.
Comment: This sequence change replaces proline, which is neutral and non-polar, with arginine, which is basic and polar, at codon 908 of the NALCN protein (p.Pro908Arg). This variant is not present in population databases (gnomAD no frequency). This variant has not been reported in the literature in individuals affected with NALCN-related conditions. ClinVar contains an entry for this variant (Variation ID: 1923990). Advanced modeling of protein sequence and biophysical properties (such as structural, functional, and spatial information, amino acid conservation, physicochemical variation, residue mobility, and thermodynamic stability) performed at Invitae indicates that this missense variant is not expected to disrupt NALCN protein function with a negative predictive value of 80%. In summary, the available evidence is currently insufficient to determine the role of this variant in disease. Therefore, it has been classified as a Variant of Uncertain Significance.

NM_052867.4(NALCN):c.2723C>G (p.Pro908Arg)

Gene: NALCN (sodium leak channel, non-selective; minus strand). Cytogenetic location: 13q33.1.
Variant type: single nucleotide variant.
Coding change: c.2723C>G on transcript NM_052867.4 (MANE Select); coding-DNA position 2723, C replaced by G.
Protein change: p.Pro908Arg; replaces proline 908 with arginine.
Molecular consequence: missense variant.
Genome position (GRCh38, 1-based): chr13:101,104,564, G>C on the plus strand (C>G on the coding strand, the complement: NALCN is on the minus strand). VCF-style: chr13-101104564-G-C. GRCh37 (hg19) VCF-style: chr13-101756915-G-C.
Other names: c.2810C>G, p.Pro937Arg (NM_001350748.2); c.2723C>G, p.Pro908Arg (NM_001350749.2); c.2636C>G, p.Pro879Arg (NM_001350750.2, NM_001350751.2); short protein forms P879R, P908R, P937R.
Identifiers: ClinVar variation 1923990 (VCV001923990.5), dbSNP rs370644253, ClinGen allele CA388669867.